The following is an entry in ClinVar:

ClinVar aggregate classification (germline): Pathogenic/Likely pathogenic. Review status: criteria provided, multiple submitters, no conflicts (2 of 4 stars). 9 submissions from 9 submitters: Pathogenic (6); Likely pathogenic (2). 1 of the submissions does not count toward it. Last evaluated 2024-08-26.

Conditions:
Glycine encephalopathy. Also called: Nonketotic hyperglycinemia; Non-ketotic hyperglycinemia. Identifiers: Orphanet 407, MedGen C0751748, MONDO:0011612, HP:0008288.
Glycine encephalopathy 1 (GCE1). Identifiers: MedGen CN376801, MONDO:0958179, OMIM 605899.
Inborn genetic diseases. Identifiers: MedGen C0950123, MeSH D030342.

Allele frequency attached by ClinVar (database versions not stated): gnomAD 0.00001; ExAC 0.00003; TOPMed 0.00003; ESP Exome Variant Server 0.00008.
gnomAD v4.1: 13 of 1,613,156 alleles (0.00081%); highest among the groups gnomAD compares: Non-Finnish European, 0.00085%; no homozygotes.

Submissions (9):

Natera, Inc.
Classification: Pathogenic for Non-ketotic hyperglycinemia. Last evaluated: 2024-08-26. Review status: criteria provided, single submitter. Criteria: Natera Variant Classification Schema (03/2026). Collection method: clinical testing. Allele origin: germline.
Comment: The c.1117C>T variant in GLDC is a missense variant predicted to cause substitution of arginine to tryptophan at amino acid 373. This variant is rare in the general population with a frequency below the threshold expected for the associated phenotype(s). This variant has been observed in one or more individuals affected with the associated recessive disease, as either homozygous or compound heterozygous with a second variant (PMID: 27362913). Given the available evidence, this variant is classified as Pathogenic.

Labcorp Genetics (formerly Invitae), Labcorp
Classification: Pathogenic for Glycine encephalopathy. Last evaluated: 2024-01-13. Review status: criteria provided, single submitter. Criteria: Invitae Variant Classification Sherloc (09022015). Collection method: clinical testing. Allele origin: germline.
Comment: This sequence change replaces arginine, which is basic and polar, with tryptophan, which is neutral and slightly polar, at codon 373 of the GLDC protein (p.Arg373Trp). This variant is present in population databases (rs150171524, gnomAD 0.003%). This missense change has been observed in individual(s) with glycine encephalopathy (PMID: 16601880, 28244183). In at least one individual the data is consistent with being in trans (on the opposite chromosome) from a pathogenic variant. ClinVar contains an entry for this variant (Variation ID: 520959). Advanced modeling of protein sequence and biophysical properties (such as structural, functional, and spatial information, amino acid conservation, physicochemical variation, residue mobility, and thermodynamic stability) performed at Invitae indicates that this missense variant is expected to disrupt GLDC protein function with a positive predictive value of 80%. For these reasons, this variant has been classified as Pathogenic.

CeGaT Center for Human Genetics Tuebingen
Classification: Pathogenic. Last evaluated: 2022-03-01. Review status: criteria provided, single submitter. Criteria: CeGaT Center For Human Genetics Tuebingen Variant Classification Criteria Version 2. Collection method: clinical testing. Allele origin: germline. Affected: yes. Observed: 1 variant allele.

Laboratorio de Genetica e Diagnostico Molecular, Hospital Israelita Albert Einstein
Classification: Likely pathogenic for Glycine encephalopathy 1. Last evaluated: 2022-02-21. Review status: criteria provided, single submitter. Criteria: ACMG Guidelines, 2015. Collection method: clinical testing. Allele origin: germline. Affected: yes.
Comment: ACMG classification criteria: PS4 supporting, PM2 moderate, PM3 moderate, PP3 supporting

Dasa
Classification: Likely pathogenic for Glycine encephalopathy. Last evaluated: 2022-02-05. Review status: criteria provided, single submitter. Criteria: ACMG Guidelines, 2015. Collection method: clinical testing. Allele origin: germline. Affected: yes. Observed: 1 variant allele.
Comment: The c.1117C>T;p.(Arg373Trp) missense variant has been observed in affected individual(s) and ClinVar contains an entry for this variant (ClinVar ID: 520959; PMID: 16601880; 28244183) - PS4_moderate. Well-established in vitro or in vivo functional studies supportive of a damaging effect on the gene or gene product (PMID: 28244183) - PS3_supporting. The variant is present at low allele frequencies population databases (rs150171524 – gnomAD 0.00006574%; ABraOM 0.000427 frequency) - PM2_supporting. The p.(Arg373Trp) was detected in trans with a pathogenic variant (PMID: 16601880; 28244183) - PM3. Multiple lines of computational evidence support a deleterious effect on the gene or gene product - PP3. In summary, the currently available evidence indicates that the variant is likely pathogenic.

Mendelics
Classification: Pathogenic for Glycine encephalopathy 1. Last evaluated: 2019-05-28. Review status: criteria provided, single submitter. Criteria: Mendelics Assertion Criteria 2017. Collection method: clinical testing. Allele origin: unknown.

Ambry Genetics
Classification: Pathogenic for Inborn genetic diseases. Last evaluated: 2016-01-18. Review status: criteria provided, single submitter. Criteria: Ambry exome assertion method (8-5-2015). Collection method: clinical testing. Allele origin: germline. Affected: yes. Observed: 1 variant allele.

3billion
Classification: Pathogenic for Glycine encephalopathy 1. Review status: criteria provided, single submitter. Criteria: ACMG Guidelines, 2015. Collection method: clinical testing. Allele origin: unknown. Affected: yes. Observed: 1 homozygote.
Comment: The variant is observed at an extremely low frequency in the gnomAD v2.1.1 dataset (total allele frequency: 0.001%). Functional studies provide supporting evidence of the variant having a damaging effect on the gene or gene product (PMID: 28244183). In silico tool predictions suggest damaging effect of the variant on gene or gene product (REVEL: 0.91; 3Cnet: 0.92). The same nucleotide change resulting in the same amino acid change has been previously reported as pathogenic/likely pathogenic with strong evidence (ClinVar ID: VCV000520959). The variant has been observed in at least two similarly affected unrelated individuals (PMID: 16601880, 28244183). The variant has been reported to be in trans with a pathogenic variant as either compound heterozygous or homozygous in at least one similarly affected unrelated individual (PMID: 16601880, 28244183). A different missense change at the same codon (p.Arg373Gln) has been reported to be associated with GLDC-related disorder (ClinVar ID: VCV001452131 / PMID: 26179960). Therefore, this variant is classified as Pathogenic according to the recommendation of ACMG/AMP guideline.

Counsyl
Classification: Uncertain significance for Glycine encephalopathy 1. Last evaluated: 2017-04-25. Review status: no assertion criteria provided. Collection method: clinical testing. Allele origin: unknown. Not counted in ClinVar's aggregate classification.

Literature cited by the submitters: PubMed 27362913 (cited by Natera, Inc.); PubMed 16601880 (cited by 4 submitters); PubMed 28244183 (cited by 3 submitters); PubMed 26179960 (cited by 3billion).

NM_000170.3(GLDC):c.1117C>T (p.Arg373Trp)

Gene: GLDC (glycine decarboxylase; minus strand). Cytogenetic location: 9p24.1.
Variant type: single nucleotide variant.
Coding change: c.1117C>T on transcript NM_000170.3 (MANE Select); coding-DNA position 1117, C replaced by T.
Protein change: p.Arg373Trp; replaces arginine 373 with tryptophan.
Molecular consequence: missense variant.
Genome position (GRCh38, 1-based): chr9:6,602,147, G>A on the plus strand (C>T on the coding strand, the complement: GLDC is on the minus strand). VCF-style: chr9-6602147-G-A. GRCh37 (hg19) VCF-style: chr9-6602147-G-A.
Other names: short protein forms R373W.
Identifiers: ClinVar variation 520959 (VCV000520959.53), dbSNP rs150171524, ClinGen allele CA4980859.